The following is an entry in ClinVar:

ClinVar aggregate classification (germline): Uncertain significance (1 of 4 stars; one submission).

Conditions:
Cholestanol storage disease (CTX). Also called: Cerebrotendinous Xanthomatosis; CEREBRAL CHOLESTERINOSIS; CTX: Cerebrotendinous xanthomatosis. Identifiers: Orphanet 909, MedGen C0238052, MONDO:0008948, OMIM 213700.

Submission:

Labcorp Genetics (formerly Invitae), Labcorp
Classification: Uncertain significance for Cholestanol storage disease. Last evaluated: 2021-07-26. Review status: criteria provided, single submitter. Criteria: Invitae Variant Classification Sherloc (09022015). Collection method: clinical testing. Allele origin: germline.
Comment: This variant has not been reported in the literature in individuals affected with CYP27A1-related conditions. In summary, the available evidence is currently insufficient to determine the role of this variant in disease. Therefore, it has been classified as a Variant of Uncertain Significance. Advanced modeling of protein sequence and biophysical properties (such as structural, functional, and spatial information, amino acid conservation, physicochemical variation, residue mobility, and thermodynamic stability) performed at Invitae indicates that this missense variant is not expected to disrupt CYP27A1 protein function. This variant is not present in population databases (ExAC no frequency). This sequence change replaces histidine with glutamine at codon 105 of the CYP27A1 protein (p.His105Gln). The histidine residue is weakly conserved and there is a small physicochemical difference between histidine and glutamine.

NM_000784.4(CYP27A1):c.315C>A (p.His105Gln)

Gene: CYP27A1 (cytochrome P450 family 27 subfamily A member 1; plus strand). Cytogenetic location: 2q35.
Variant type: single nucleotide variant.
Coding change: c.315C>A on transcript NM_000784.4 (MANE Select); coding-DNA position 315, C replaced by A.
Protein change: p.His105Gln; replaces histidine 105 with glutamine.
Molecular consequence: missense variant.
Genome position (GRCh38, 1-based): chr2:218,809,636, C>A. VCF-style: chr2-218809636-C-A. GRCh37 (hg19) VCF-style: chr2-219674359-C-A.
Other names: short protein forms H105Q.
Identifiers: ClinVar variation 1469219 (VCV001469219.8), dbSNP rs753981913, ClinGen allele CA350583192.